The following is an entry in ClinVar:

ClinVar aggregate classification (germline): Likely benign. Review status: criteria provided, multiple submitters, no conflicts (2 of 4 stars). 2 submissions from 2 submitters: Likely benign (2). Last evaluated 2025-10-01.

gnomAD v4.1: 107 of 667,522 alleles (0.016%); highest among the groups gnomAD compares: South Asian, 0.17%; no homozygotes.

Submissions (2):

CeGaT Center for Human Genetics Tuebingen
Classification: Likely benign. Last evaluated: 2025-10-01. Review status: criteria provided, single submitter. Criteria: CeGaT Center For Human Genetics Tuebingen Variant Classification Criteria Version 2. Collection method: clinical testing. Allele origin: germline. Affected: yes. Observed: 1 variant allele.
Comment: DEPDC5: BP4, BP7

Blueprint Genetics
Classification: Likely benign. Last evaluated: 2023-12-04. Review status: criteria provided, single submitter. Criteria: ACMG Guidelines, 2015. Collection method: clinical testing. Allele origin: germline.

NM_001242896.3(DEPDC5):c.1666+205G>A

Gene: DEPDC5 (DEP domain containing 5, GATOR1 subcomplex subunit; plus strand). Cytogenetic location: 22q12.3.
Variant type: single nucleotide variant.
Coding change: c.1666+205G>A on transcript NM_001242896.3 (MANE Select); 205 bases into the intron after coding-DNA position 1666, G replaced by A.
Molecular consequence: intron variant. On other transcripts: synonymous variant (1).
Genome position (GRCh38, 1-based): chr22:31,815,417, G>A. VCF-style: chr22-31815417-G-A. GRCh37 (hg19) VCF-style: chr22-32211403-G-A.
Other names: c.1668G>A, p.Glu556= (NM_001007188.4); c.1666+205G>A (NM_001364318.2, NM_001136029.4, NM_014662.6 and 6 more transcripts); c.1582+205G>A (NM_001369902.1, NM_001369901.1).
Identifiers: ClinVar variation 4533528 (VCV004533528.7).